The following is an entry in ClinVar:

NM_006618.5(KDM5B):c.316C>T (p.Gln106Ter)

Gene: KDM5B (lysine demethylase 5B; minus strand). Cytogenetic location: 1q32.1.
Variant type: single nucleotide variant.
Coding change: c.316C>T on transcript NM_006618.5 (MANE Select); coding-DNA position 316, C replaced by T.
Protein change: p.Gln106Ter; replaces glutamine 106 with a stop codon.
Molecular consequence: nonsense.
Genome position (GRCh38, 1-based): chr1:202,774,702, G>A on the plus strand (C>T on the coding strand, the complement: KDM5B is on the minus strand). VCF-style: chr1-202774702-G-A. GRCh37 (hg19) VCF-style: chr1-202743830-G-A.
Other names: c.316C>T, p.Gln106Ter (NM_001314042.2, NM_001347591.2); c.301C>T, p.Gln101Ter (NM_001399817.1); short protein forms Q101*, Q106*.
Identifiers: ClinVar variation 3345311 (VCV003345311.1).
Genomic context (GRCh38, chr1:202,774,702, plus strand): 5'-TCCTCTCCACATGTGGAATTTTCAGAGTACTTCCCTGTAACTCCCAGTACTTTGCAATCT[G>A]GTCCAAGAAATTCAATTTTACACGAGTTTGGGCCTAAAAGACAAAGAATTGAGTTTTCAT-3'

ClinVar aggregate classification (germline): Likely pathogenic (0 of 4 stars; one submission).

Conditions:
KDM5B-related disorder. Also called: KDM5B-related condition.

Submission:

PreventionGenetics, part of Exact Sciences
Classification: Likely pathogenic for KDM5B-related condition. Last evaluated: 2024-07-25. Review status: no assertion criteria provided. Collection method: clinical testing. Allele origin: germline.
Comment: The KDM5B c.316C>T variant is predicted to result in premature protein termination (p.Gln106*). To our knowledge, this variant has not been reported in the literature or in a large population database, indicating this variant is rare. Nonsense variants in KDM5B are expected to be pathogenic for autosomal recessive KDM5B-related disorders. This variant is interpreted as likely pathogenic for autosomal recessive KDM5B-related disorders, but it is uncertain if this variant would be causative for autosomal dominant disorders.